The following is an entry in ClinVar:

NM_017649.5(CNNM2):c.2036G>A (p.Arg679His)

Gene: CNNM2 (cyclin and CBS domain divalent metal cation transport mediator 2; plus strand). Cytogenetic location: 10q24.32.
Variant type: single nucleotide variant.
Coding change: c.2036G>A on transcript NM_017649.5 (MANE Select); coding-DNA position 2036, G replaced by A.
Protein change: p.Arg679His; replaces arginine 679 with histidine.
Molecular consequence: missense variant.
Genome position (GRCh38, 1-based): chr10:103,056,927, G>A. VCF-style: chr10-103056927-G-A. GRCh37 (hg19) VCF-style: chr10-104816684-G-A.
Other names: c.2036G>A, p.Arg679His (NM_199076.3); c.2036G>A (NM_017649.3); short protein forms R679H.
Identifiers: ClinVar variation 2955714 (VCV002955714.5), dbSNP rs753065287, ClinGen allele CA5670510.

ClinVar aggregate classification (germline): Uncertain significance. Review status: criteria provided, multiple submitters, no conflicts (2 of 4 stars). 3 submissions from 3 submitters: Uncertain significance (3). Last evaluated 2026-06-07.

Conditions:
Inborn genetic diseases. Identifiers: MedGen C0950123, MeSH D030342.

Allele frequency attached by ClinVar (database versions not stated): gnomAD 0.00003; TOPMed 0.00003.

Submissions (3):

Revvity Omics, Revvity
Classification: Uncertain significance. Last evaluated: 2026-06-07. Review status: criteria provided, single submitter. Criteria: ACMG Guidelines, 2015. Collection method: clinical testing. Allele origin: germline.

Ambry Genetics
Classification: Uncertain significance for Inborn genetic diseases. Last evaluated: 2026-03-31. Review status: criteria provided, single submitter. Criteria: Ambry Variant Classification Scheme 2023. Collection method: clinical testing. Allele origin: germline.

Labcorp Genetics (formerly Invitae), Labcorp
Classification: Uncertain significance. Last evaluated: 2024-03-27. Review status: criteria provided, single submitter. Criteria: Invitae Variant Classification Sherloc (09022015). Collection method: clinical testing. Allele origin: germline.
Comment: This sequence change replaces arginine, which is basic and polar, with histidine, which is basic and polar, at codon 679 of the CNNM2 protein (p.Arg679His). This variant is present in population databases (rs753065287, gnomAD 0.02%). This variant has not been reported in the literature in individuals affected with CNNM2-related conditions. Advanced modeling of protein sequence and biophysical properties (such as structural, functional, and spatial information, amino acid conservation, physicochemical variation, residue mobility, and thermodynamic stability) performed at Invitae indicates that this missense variant is not expected to disrupt CNNM2 protein function with a negative predictive value of 80%. In summary, the available evidence is currently insufficient to determine the role of this variant in disease. Therefore, it has been classified as a Variant of Uncertain Significance.